The following is an entry in ClinVar:

NM_001330311.2(DVL1):c.1133G>A (p.Gly378Asp)

Gene: DVL1 (dishevelled segment polarity protein 1; minus strand). Cytogenetic location: 1p36.33.
Variant type: single nucleotide variant.
Coding change: c.1133G>A on transcript NM_001330311.2 (MANE Select); coding-DNA position 1133, G replaced by A.
Protein change: p.Gly378Asp; replaces glycine 378 with aspartic acid.
Molecular consequence: missense variant. On other transcripts: splice donor variant (1).
Genome position (GRCh38, 1-based): chr1:1,339,361, C>T on the plus strand (G>A on the coding strand, the complement: DVL1 is on the minus strand). VCF-style: chr1-1339361-C-T. GRCh37 (hg19) VCF-style: chr1-1274741-C-T.
Other names: c.1132+1G>A (NM_004421.3); short protein forms G378D.
Identifiers: ClinVar variation 755728 (VCV000755728.8), dbSNP rs540896617, ClinGen allele CA16755002.

ClinVar aggregate classification (germline): Conflicting classifications of pathogenicity. Review status: criteria provided, conflicting classifications (1 of 4 stars). 2 submissions from 2 submitters: Uncertain significance (1); Likely benign (1). Last evaluated 2025-11-23.

Conditions:
DVL1-related disorder. Also called: DVL1-related condition.

Allele frequency attached by ClinVar (database versions not stated): gnomAD 0.00001; TOPMed 0.00001; gnomAD exomes 0.00003; 1000 Genomes Project 30x 0.00016; 1000 Genomes Project 0.00020.

Submissions (3):

Labcorp Genetics (formerly Invitae), Labcorp
Classification: Likely benign. Last evaluated: 2025-11-23. Review status: criteria provided, single submitter. Criteria: Invitae Variant Classification Sherloc (09022015). Collection method: clinical testing. Allele origin: germline.

PreventionGenetics, part of Exact Sciences
Classification: Uncertain significance for DVL1-related condition. Last evaluated: 2025-05-30. Review status: criteria provided, single submitter. Criteria: ACMG Guidelines, 2015. Collection method: clinical testing. Allele origin: germline.
Comment: The DVL1 c.1132+1G>A variant is predicted to disrupt the GT donor site and interfere with normal splicing. This variant is predicted to result in an in-frame transcript. To our knowledge, this variant has not been reported in the literature. This variant is reported in 0.013% of alleles in individuals of South Asian descent in gnomAD, which may be too frequent to be a primary cause of disease. Although we suspect that this variant may be benign, at this time, the clinical significance of this variant is uncertain due to the absence of conclusive functional and genetic evidence.

Dr. Peter K. Rogan Lab, Western University
No classification provided (evidence only). Condition: Uterine carcinosarcoma. Review status: no classification provided. Collection method: in vitro. Allele origin: not applicable. Functional consequence: retained intron. Not counted in ClinVar's aggregate classification.